The following is an entry in ClinVar:

NM_000257.4(MYH7):c.936C>T (p.Phe312=)

Gene: MYH7 (myosin heavy chain 7; minus strand). Cytogenetic location: 14q11.2.
Variant type: single nucleotide variant.
Coding change: c.936C>T on transcript NM_000257.4 (MANE Select); coding-DNA position 936, C replaced by T.
Protein change: p.Phe312=; no amino-acid change (phenylalanine 312 retained).
Molecular consequence: synonymous variant.
Genome position (GRCh38, 1-based): chr14:23,430,623, G>A on the plus strand (C>T on the coding strand, the complement: MYH7 is on the minus strand). VCF-style: chr14-23430623-G-A. GRCh37 (hg19) VCF-style: chr14-23899832-G-A.
Identifiers: ClinVar variation 188606 (VCV000188606.10), dbSNP rs771522982, ClinGen allele CA016982.

ClinVar aggregate classification (germline): Conflicting classifications of pathogenicity. Review status: criteria provided, conflicting classifications (1 of 4 stars). 4 submissions from 4 submitters: Uncertain significance (1); Likely benign (3). Last evaluated 2024-05-14.

Conditions:
Cardiovascular phenotype. Identifiers: MedGen CN230736.
Cardiomyopathy (CMYO). Also called: Cardiomyopathies. Identifiers: Orphanet 167848, MedGen C0878544, MONDO:0004994, HP:0001638. Inheritance: Various modes of inheritance.
Hypertrophic cardiomyopathy. Also called: HYPERTROPHIC MYOCARDIOPATHY. Identifiers: Orphanet 217569, MedGen C0007194, MeSH D002312, MONDO:0005045, HP:0001639.

Allele frequency attached by ClinVar (database versions not stated): gnomAD below 0.00001 and 0.00001.

Submissions (4):

All of Us Research Program, National Institutes of Health
Classification: Likely benign for Cardiomyopathy. Last evaluated: 2024-05-14. Review status: criteria provided, single submitter. Criteria: ACMG Guidelines, 2015. Collection method: clinical testing. Allele origin: germline. Inheritance: Autosomal dominant inheritance. Observed: 2 variant alleles, 2 heterozygotes.
Comment: This study involves interpretation of variants in research participants for the purpose of population health screening. Participant phenotype was not available at the time of variant classification. Additional details can be found in publication PMID: 35346344, PMCID: PMC8962531

Ambry Genetics
Classification: Uncertain significance for Cardiovascular phenotype. Last evaluated: 2022-06-14. Review status: criteria provided, single submitter. Criteria: Ambry Variant Classification Scheme 2023. Collection method: clinical testing. Allele origin: germline.
Comment: The c.936C>T variant (also known as p.F312F), located in coding exon 9 of the MYH7 gene, results from a C to T substitution at nucleotide position 936. This nucleotide substitution does not change the phenylalanine at codon 312. This nucleotide position is well conserved in available vertebrate species. In silico splice site analysis for this alteration is inconclusive. Since supporting evidence is limited at this time, the clinical significance of this alteration remains unclear.

Labcorp Genetics (formerly Invitae), Labcorp
Classification: Likely benign for Hypertrophic cardiomyopathy. Last evaluated: 2022-05-13. Review status: criteria provided, single submitter. Criteria: Invitae Variant Classification Sherloc (09022015). Collection method: clinical testing. Allele origin: germline.

Color Diagnostics, LLC DBA Color Health
Classification: Likely benign for Cardiomyopathy. Last evaluated: 2019-06-18. Review status: criteria provided, single submitter. Criteria: ACMG Guidelines, 2015. Collection method: clinical testing. Allele origin: germline.